The following is an entry in ClinVar:

NM_001023.4(RPS20):c.103+3C>T

Gene: RPS20 (ribosomal protein S20; minus strand). Cytogenetic location: 8q12.1.
Variant type: single nucleotide variant.
Coding change: c.103+3C>T on transcript NM_001023.4 (MANE Select); 3 bases into the intron after coding-DNA position 103, C replaced by T.
Molecular consequence: intron variant.
Genome position (GRCh38, 1-based): chr8:56,074,057, G>A on the plus strand (C>T on the coding strand, the complement: RPS20 is on the minus strand). VCF-style: chr8-56074057-G-A. GRCh37 (hg19) VCF-style: chr8-56986616-G-A.
Other names: c.103+3C>T (NM_001146227.3).
Identifiers: ClinVar variation 966740 (VCV000966740.12), dbSNP rs1809853446, ClinGen allele CA1139660577.

ClinVar aggregate classification (germline): Conflicting classifications of pathogenicity. Review status: criteria provided, conflicting classifications (1 of 4 stars). 2 submissions from 2 submitters: Uncertain significance (1); Likely benign (1). Last evaluated 2026-03-02.

Allele frequency attached by ClinVar (database versions not stated): gnomAD exomes below 0.00001.
gnomAD v4.1: 2 of 1,610,424 alleles (0.00012%); highest among the groups gnomAD compares: Non-Finnish European, 0.00017%; no homozygotes.

Submissions (2):

Ambry Genetics
Classification: Likely benign. Last evaluated: 2026-03-02. Review status: criteria provided, single submitter. Criteria: Ambry Variant Classification Scheme 2023. Collection method: clinical testing. Allele origin: germline.

Labcorp Genetics (formerly Invitae), Labcorp
Classification: Uncertain significance. Last evaluated: 2024-09-01. Review status: criteria provided, single submitter. Criteria: Invitae Variant Classification Sherloc (09022015). Collection method: clinical testing. Allele origin: germline.
Comment: This sequence change falls in intron 2 of the RPS20 gene. It does not directly change the encoded amino acid sequence of the RPS20 protein. It affects a nucleotide within the consensus splice site. This variant is not present in population databases (gnomAD no frequency). This variant has not been reported in the literature in individuals affected with RPS20-related conditions. ClinVar contains an entry for this variant (Variation ID: 966740). Variants that disrupt the consensus splice site are a relatively common cause of aberrant splicing (PMID: 17576681, 9536098). Algorithms developed to predict the effect of sequence changes on RNA splicing suggest that this variant is not likely to affect RNA splicing. In summary, the available evidence is currently insufficient to determine the role of this variant in disease. Therefore, it has been classified as a Variant of Uncertain Significance.

Literature cited by the submitters: PubMed 17576681 (cited by Labcorp Genetics (formerly Invitae), Labcorp); PubMed 9536098 (cited by Labcorp Genetics (formerly Invitae), Labcorp).